The following is an entry in ClinVar:

ClinVar aggregate classification (germline): Pathogenic. Review status: criteria provided, multiple submitters, no conflicts (2 of 4 stars). 2 submissions from 2 submitters: Pathogenic (2). Last evaluated 2021-08-10.

Conditions:
Wilson disease (WND). Also called: Wilson's disease. Identifiers: Orphanet 905, MedGen C0019202, MONDO:0010200, OMIM 277900. Disease mechanism: loss of function.

Submissions (2):

Genome-Nilou Lab
Classification: Pathogenic for Wilson disease. Last evaluated: 2021-08-10. Review status: criteria provided, single submitter. Criteria: ACMG Guidelines, 2015. Collection method: clinical testing. Allele origin: germline. Affected: no.

Labcorp Genetics (formerly Invitae), Labcorp
Classification: Pathogenic for Wilson disease. Last evaluated: 2020-04-12. Review status: criteria provided, single submitter. Criteria: Invitae Variant Classification Sherloc (09022015). Collection method: clinical testing. Allele origin: germline.
Comment: Loss-of-function variants in ATP7B are known to be pathogenic (PMID: 10441329, 16283883). For these reasons, this variant has been classified as Pathogenic. Algorithms developed to predict the effect of sequence changes on RNA splicing suggest that this variant may create or strengthen a splice site, but this prediction has not been confirmed by published transcriptional studies. This variant has been observed in individual(s) with Wilson disease (PMID: 16283883). This variant is not present in population databases (ExAC no frequency). This sequence change creates a premature translational stop signal (p.Asp1047Valfs*74) in the ATP7B gene. It is expected to result in an absent or disrupted protein product.

Literature cited by the submitters: PubMed 10441329 (cited by Labcorp Genetics (formerly Invitae), Labcorp); PubMed 16283883 (cited by Labcorp Genetics (formerly Invitae), Labcorp).

NM_000053.4(ATP7B):c.3140del (p.Asp1047fs)

Gene: ATP7B (ATPase copper transporting beta; minus strand). Cytogenetic location: 13q14.3.
Variant type: Deletion.
Coding change: c.3140del on transcript NM_000053.4 (MANE Select); coding-DNA position 3140, one base deleted (A; older notation c.3140delA).
Protein change: p.Asp1047fs; shifts the reading frame from aspartic acid 1047.
Molecular consequence: frameshift variant.
Genome position (GRCh38, 1-based): chr13:51,944,212, T deleted on the plus strand (A on the coding strand, the reverse complement: ATP7B is on the minus strand). VCF-style (leftmost placement, unchanged base first): chr13-51944211-AT-A. GRCh37 (hg19) VCF-style: chr13-52518347-AT-A.
Other names: c.2519del, p.Asp840fs (NM_001005918.3); c.2807del, p.Asp936fs (NM_001243182.2); c.2906del, p.Asp969fs (NM_001330578.2); c.2888del, p.Asp963fs (NM_001330579.2); short protein forms D1047fs, D840fs, D936fs, D963fs, D969fs.
Identifiers: ClinVar variation 1075643 (VCV001075643.11), dbSNP rs2138953252, ClinGen allele CA2499222491.